The following is an entry in ClinVar:

ClinVar aggregate classification (germline): Pathogenic/Likely pathogenic. Review status: criteria provided, multiple submitters, no conflicts (2 of 4 stars). 4 submissions from 4 submitters: Pathogenic (2); Likely pathogenic (2). Last evaluated 2026-06-30.

Conditions:
Multiple acyl-CoA dehydrogenase deficiency (MADD). Also called: ETHYLMALONIC-ADIPICACIDURIA; GA II; Glutaric aciduria, type 2; Glutaric acidemia type II; GA 2; Glutaric Acidemia type 2. Identifiers: Orphanet 26791, MedGen C0268596, MONDO:0009282, OMIM 231680.

Allele frequency attached by ClinVar (database versions not stated): gnomAD exomes below 0.00001.
gnomAD v4.1: 2 of 1,614,154 alleles (0.00012%); highest among the groups gnomAD compares: Admixed American, 0.0017%; no homozygotes.

Submissions (4):

Women's Health and Genetics/Laboratory Corporation of America, LabCorp
Classification: Pathogenic for Multiple acyl-CoA dehydrogenase deficiency. Last evaluated: 2026-06-30. Review status: criteria provided, single submitter. Criteria: LabCorp Variant Classification Summary - May 2015. Collection method: clinical testing. Allele origin: germline.
Comment: Variant summary: ETFDH c.34+5G>C alters a nucleotide located close to a canonical splice site and therefore could affect mRNA splicing, leading to a significantly altered protein sequence. Several computational tools predict a significant impact on normal splicing: Three predict that the variant abolishes a 5' splicing donor site. One predicts the variant weakens a 5' donor site. However, these predictions have yet to be confirmed by functional studies. The variant allele was found at a frequency of 4e-06 in 251380 control chromosomes. c.34+5G>C has been observed in multiple individuals affected with Glutaric Aciduria, Type 2c (Stanescu_2020, Henriques_2019, Pontoizeau_2015). These data indicate that the variant is very likely to be associated with disease. To our knowledge, no experimental evidence demonstrating an impact on protein function has been reported. The following publications have been ascertained in the context of this evaluation (PMID: 31418342, 26409463, 32733732). ClinVar contains an entry for this variant (Variation ID: 1481750). Based on the evidence outlined above, the variant was classified as pathogenic.

Mayo Clinic Laboratories, Mayo Clinic
Classification: Likely pathogenic. Last evaluated: 2025-08-11. Review status: criteria provided, single submitter. Criteria: ACMG Guidelines, 2015. Collection method: clinical testing. Allele origin: germline. Observed: 1 variant allele.
Comment: PP1, PP3, PM2_supporting, PM3, PS4_moderate

Labcorp Genetics (formerly Invitae), Labcorp
Classification: Pathogenic for Multiple acyl-CoA dehydrogenase deficiency. Last evaluated: 2025-07-06. Review status: criteria provided, single submitter. Criteria: Invitae Variant Classification Sherloc (09022015). Collection method: clinical testing. Allele origin: germline.
Comment: This sequence change falls in intron 1 of the ETFDH gene. It does not directly change the encoded amino acid sequence of the ETFDH protein. It affects a nucleotide within the consensus splice site. This variant is present in population databases (no rsID available, gnomAD 0.003%). This variant has been observed in individual(s) with multiple acyl-CoA dehydrogenase deficiency (PMID: 26409463, 31418342, 32733732). ClinVar contains an entry for this variant (Variation ID: 1481750). Variants that disrupt the consensus splice site are a relatively common cause of aberrant splicing (PMID: 17576681, 9536098). Algorithms developed to predict the effect of sequence changes on RNA splicing suggest that this variant may disrupt the consensus splice site. For these reasons, this variant has been classified as Pathogenic.

Baylor Genetics
Classification: Likely pathogenic for Multiple acyl-CoA dehydrogenase deficiency. Last evaluated: 2023-03-29. Review status: criteria provided, single submitter. Criteria: ACMG Guidelines, 2015. Collection method: clinical testing. Allele origin: unknown.

Literature cited by the submitters: PubMed 31418342 (cited by 3 submitters); PubMed 26409463 (cited by 3 submitters); PubMed 32733732 (cited by 3 submitters); PubMed 17576681 (cited by Labcorp Genetics (formerly Invitae), Labcorp); PubMed 9536098 (cited by Labcorp Genetics (formerly Invitae), Labcorp).

NM_004453.4(ETFDH):c.34+5G>C

Gene: ETFDH (electron transfer flavoprotein dehydrogenase; plus strand). Cytogenetic location: 4q32.1.
Variant type: single nucleotide variant.
Coding change: c.34+5G>C on transcript NM_004453.4 (MANE Select); 5 bases into the intron after coding-DNA position 34, G replaced by C.
Molecular consequence: intron variant.
Genome position (GRCh38, 1-based): chr4:158,672,495, G>C. VCF-style: chr4-158672495-G-C. GRCh37 (hg19) VCF-style: chr4-159593647-G-C.
Other names: c.34+5G>C (NM_001281737.2).
Identifiers: ClinVar variation 1481750 (VCV001481750.11), dbSNP rs1373597092, ClinGen allele CA555632560.